The following continues an entry in ClinVar:

NM_000038.6(APC):c.7399C>A (p.Pro2467Thr)

Gene: APC. ClinVar aggregate classification (germline): Conflicting classifications of pathogenicity. Uncertain significance (5); Benign (2); Likely benign (10).

Submissions 18 to 23 of 23:

PreventionGenetics, part of Exact Sciences
Classification: Likely benign for APC-related condition. Last evaluated: 2024-09-24. Review status: no assertion criteria provided. Collection method: clinical testing. Allele origin: germline. Not counted in ClinVar's aggregate classification.
Comment: This variant is classified as likely benign based on ACMG/AMP sequence variant interpretation guidelines (Richards et al. 2015 PMID: 25741868, with internal and published modifications).

Molecular Oncology Laboratory, Hospital Clínico San Carlos
Classification: Uncertain significance for Familial adenomatous polyposis 1. Last evaluated: 2018-06-01. Review status: no assertion criteria provided. Criteria: ACMG Guidelines, 2015. Collection method: clinical testing. Allele origin: germline. Inheritance: Autosomal dominant inheritance. Affected: yes. Not counted in ClinVar's aggregate classification.

True Health Diagnostics
Classification: Uncertain significance for Hereditary cancer-predisposing syndrome. Last evaluated: 2017-12-01. Review status: no assertion criteria provided. Collection method: clinical testing. Allele origin: germline. Not counted in ClinVar's aggregate classification.

CSER _CC_NCGL, University of Washington
Classification: Likely benign for Adenomatous polyposis coli. Last evaluated: 2014-06-01. Review status: no assertion criteria provided. Collection method: research. Allele origin: germline. Inheritance: Autosomal dominant inheritance. Study: ESP 6500 variant annotation. Not counted in ClinVar's aggregate classification.
Comment: Variants classified for the Actionable exomic incidental findings in 6503 participants: challenges of variant classification manuscript

ITMI
No classification provided. Condition: AllHighlyPenetrant. Last evaluated: 2013-09-19. Review status: no classification provided. Collection method: reference population. Allele origin: germline. Not counted in ClinVar's aggregate classification.
Comment: Please see associated publication for description of ethnicities

Department of Pathology and Laboratory Medicine, Sinai Health System
Classification: Uncertain significance for Carcinoma of colon. Review status: no assertion criteria provided. Collection method: clinical testing. Allele origin: unknown. Affected: yes. Study: The Canadian Open Genetics Repository (COGR). Not counted in ClinVar's aggregate classification.
Comment: The APC p.Pro2467Thr variant was identified at a frequency of 0.003 or 2 of 1382 proband chromosomes from individuals or families with colorectal adenomas and colorectal cancer, and was not present in 1938 control chromosomes from healthy individuals matched for age, sex and race (Azzopardi 2008, Kraus 2014). In both cases the variant was identified with another variant of uncertain significance, APC p.Arg1676Gly. The variant was also identified in dbSNP (ID: rs372305287) as â€šÃ„Ãºotherâ€šÃ„Ã¹; NHLBI GO Exome Sequencing Project in 1 of 8598 European American chromosomes; in the Exome Aggregation Consortium database (March 14, 2016) in 16 of 121336 chromosomes (freq. 0.0001) in the following populations: European (Non-Finnish) in 11 of 66702 chromosomes (freq. 0.0002), South Asian in 3 of 16508 chromosomes (freq. 0.0002), Latino in 2 of 11552 chromosomes (freq. 0.0002), but was not seen in African, East Asian, Finnish and other populations; Clinvitae database (3x uncertain significance); ClinVar database (uncertain significance by Ambry Genetics, Invitae, Division of Genomic Diagnostics-the Childrenâ€šÃ„Ã´s Hospital Of Philadelphia and GeneDx, and likely benign by University of Washington Medical School, ITMI did not provide a classification); the COGR database (uncertain significance) and UMD (1x with unclassified variant, the variant co-occurred with a non-synonymous variant c.5026A>G, p.Arg1676Gly). In COSMIC, the variant was identified as a confirmed homozygous somatic mutation found in cancer of the large intestine. The p.Pro2467 residue is conserved across mammals, and four out of five computational analyses (PolyPhen-2, SIFT, AlignGVGD, BLOSUM, MutationTaster) suggest that the Threonine (Thr) variant may impact the protein; however, this information is not predictive enough to assume pathogenicity. The variant occurs outside of the splicing consensus sequence and 2 of 5 in silico or computational prediction software programs (SpliceSiteFinder, MaxEntScan, NNSPLICE, GeneSplicer, HumanSpliceFinder) predict a difference at a 3â€šÃ„Ã´ cryptic splice site. However, in a study looking at rare nonsynonomous variants the authors note that multiple rare inherited non-synonymous variants of APC were significantly over represented in patients who did not carry conventional pathogenic mutations in the APC or MUTYH genes. The authors felt that patients with 2 rare non-synonymous heterozygous variants, involved in âˆšÃ¼-catenin down-regulation domain of APC protein, are likely to predispose to colorectal adenomas as compared to non FAP/MAP patients. The non-synonymous variants, c.5026A>G, R1676G and c.7399C>A, P2467T were seen together in 1 patient in their cohort and thought to together act as low penetrance disease alleles (Azzopardi 2008). In summary, based on the above information, the clinical significance of this variant cannot be determined with certainty at this time. This variant is classified as a variant of uncertain significance.

Literature cited by the submitters: PubMed 18199528 (cited by 5 submitters); PubMed 21859464 (cited by 3 submitters); PubMed 24728327 (cited by 5 submitters); PubMed 25980754 (cited by 4 submitters); PubMed 25142776 (cited by 4 submitters); PubMed 23085758 (cited by Women's Health and Genetics/Laboratory Corporation of America, LabCorp and Laboratory for Molecular Medicine, Mass General Brigham Personalized Medicine); PubMed 26976419 (cited by 3 submitters); PubMed 26580448 (cited by Women's Health and Genetics/Laboratory Corporation of America, LabCorp); PubMed 28828701 (cited by Women's Health and Genetics/Laboratory Corporation of America, LabCorp and Quest Diagnostics Nichols Institute San Juan Capistrano); PubMed 31285513 (cited by Women's Health and Genetics/Laboratory Corporation of America, LabCorp); PubMed 27009842 (cited by Women's Health and Genetics/Laboratory Corporation of America, LabCorp); PubMed 35264596 (cited by Women's Health and Genetics/Laboratory Corporation of America, LabCorp); PubMed 36672847 (cited by Women's Health and Genetics/Laboratory Corporation of America, LabCorp); PubMed 28805986 (cited by Quest Diagnostics Nichols Institute San Juan Capistrano); PubMed 25637381 (cited by 3 submitters).